The following is an entry in ClinVar:

ClinVar aggregate classification (germline): Uncertain significance. Review status: criteria provided, single submitter (1 of 4 stars). 3 submissions from 3 submitters: Uncertain significance (1). 2 of the submissions do not count toward it. Last evaluated 2021-09-02.

Conditions:
Deficiency of acetyl-CoA acetyltransferase. Also called: MITOCHONDRIAL ACETOACETYL-CoA THIOLASE DEFICIENCY; Beta-ketothiolase deficiency; 3-KETOTHIOLASE DEFICIENCY; 3-OXOTHIOLASE DEFICIENCY. Identifiers: Orphanet 134, MedGen C1536500, MONDO:0008760, OMIM 203750. Disease mechanism: loss of function.

Allele frequency attached by ClinVar (database versions not stated): gnomAD exomes 0.00001; ExAC 0.00002.

Submissions (3):

Labcorp Genetics (formerly Invitae), Labcorp
Classification: Uncertain significance for Deficiency of acetyl-CoA acetyltransferase. Last evaluated: 2021-09-02. Review status: criteria provided, single submitter. Criteria: Invitae Variant Classification Sherloc (09022015). Collection method: clinical testing. Allele origin: germline.
Comment: This sequence change replaces histidine with arginine at codon 400 of the ACAT1 protein (p.His400Arg). The histidine residue is highly conserved and there is a small physicochemical difference between histidine and arginine. This variant is present in population databases (rs761086326, ExAC 0.01%). This variant has not been reported in the literature in individuals affected with ACAT1-related conditions. ClinVar contains an entry for this variant (Variation ID: 438580). Algorithms developed to predict the effect of missense changes on protein structure and function are either unavailable or do not agree on the potential impact of this missense change (SIFT: "Deleterious"; PolyPhen-2: "Possibly Damaging"; Align-GVGD: "Class C0"). In summary, the available evidence is currently insufficient to determine the role of this variant in disease. Therefore, it has been classified as a Variant of Uncertain Significance.

Natera, Inc.
Classification: Uncertain significance for Alpha-methylacetoacetic aciduria. Last evaluated: 2021-01-27. Review status: no assertion criteria provided. Collection method: clinical testing. Allele origin: germline. Not counted in ClinVar's aggregate classification.

Foundation for Research in Genetics and Endocrinology, FRIGE's Institute of Human Genetics
Classification: Likely pathogenic for Deficiency of acetyl-CoA acetyltransferase. Last evaluated: 2017-09-11. Review status: no assertion criteria provided. Collection method: clinical testing. Allele origin: germline. Inheritance: Autosomal recessive inheritance. Affected: yes. Observed: 1 variant allele, 1 homozygote. Not counted in ClinVar's aggregate classification.
Comment: The variant c.1199A>G(p.H400R) is not reported in 1000 genomes database and has minor allele frequency of 0.0016% in ExAC database. The in silico prediction of this variant is damaging by LRT, PolyPhen, SIFT and MutationTaster.

NM_000019.4(ACAT1):c.1199A>G (p.His400Arg)

Gene: ACAT1 (acetyl-CoA acetyltransferase 1; plus strand). Cytogenetic location: 11q22.3.
Variant type: single nucleotide variant.
Coding change: c.1199A>G on transcript NM_000019.4 (MANE Select); coding-DNA position 1199, A replaced by G.
Protein change: p.His400Arg; replaces histidine 400 with arginine.
Molecular consequence: missense variant.
Genome position (GRCh38, 1-based): chr11:108,147,305, A>G. VCF-style: chr11-108147305-A-G. GRCh37 (hg19) VCF-style: chr11-108018032-A-G.
Other names: c.1199A>G, p.His400Arg (LRG_1400t1); short protein forms H400R.
Identifiers: ClinVar variation 438580 (VCV000438580.14), dbSNP rs761086326, ClinGen allele CA6263404.